The following is an entry in ClinVar:

NM_001277115.2(DNAH11):c.13416del (p.Lys4473fs)

Genes: CDCA7L (cell division cycle associated 7 like; minus strand), DNAH11 (dynein axonemal heavy chain 11; plus strand). Cytogenetic location: 7p15.3.
Variant type: Deletion.
Coding change: c.13416del on transcript NM_001277115.2 (MANE Select); coding-DNA position 13416, one base deleted (C; older notation c.13416delC).
Protein change: p.Lys4473fs; shifts the reading frame from lysine 4473.
Molecular consequence: frameshift variant. On other transcripts: 3 prime UTR variant (3).
Genome position (GRCh38, 1-based): chr7:21,901,119, C deleted; the last of 2 consecutive C bases (chr7:21,901,118-21,901,119); deleting either gives the same sequence. VCF-style (leftmost placement, unchanged base first): chr7-21901117-AC-A. GRCh37 (hg19) VCF-style: chr7-21940735-AC-A.
Other names: c.*1204del (NM_001127370.3, NM_001127371.3, NM_018719.5); short protein forms K4473fs.
Identifiers: ClinVar variation 2840690 (VCV002840690.3), dbSNP rs2534165015, ClinGen allele CA2739266357.

ClinVar aggregate classification (germline): Pathogenic (1 of 4 stars; one submission).

Conditions:
Primary ciliary dyskinesia. Also called: Ciliary dyskinesia. Identifiers: Orphanet 244, MedGen C0008780, MONDO:0016575, HP:0012265.

Submission:

Labcorp Genetics (formerly Invitae), Labcorp
Classification: Pathogenic for Primary ciliary dyskinesia. Last evaluated: 2023-02-25. Review status: criteria provided, single submitter. Criteria: Invitae Variant Classification Sherloc (09022015). Collection method: clinical testing. Allele origin: germline.
Comment: For these reasons, this variant has been classified as Pathogenic. This variant disrupts a region of the DNAH11 protein in which other variant(s) (p.Trp4505Serfs*10) have been determined to be pathogenic (Invitae). This suggests that this is a clinically significant region of the protein, and that variants that disrupt it are likely to be disease-causing. This variant has not been reported in the literature in individuals affected with DNAH11-related conditions. This variant is not present in population databases (gnomAD no frequency). This sequence change creates a premature translational stop signal (p.Lys4473Asnfs*13) in the DNAH11 gene. While this is not anticipated to result in nonsense mediated decay, it is expected to disrupt the last 44 amino acid(s) of the DNAH11 protein.